The following is an entry in ClinVar:

NC_000023.10:g.(?_85166246)_(85166363_?)del

Gene: CHM (CHM Rab escort protein; minus strand). Cytogenetic location: Xq21.2.
Variant type: Deletion.
Identifiers: ClinVar variation 1452403 (VCV001452403.7).

ClinVar aggregate classification (germline): Pathogenic (1 of 4 stars; one submission).

Submission:

Labcorp Genetics (formerly Invitae), Labcorp
Classification: Pathogenic. Last evaluated: 2022-10-04. Review status: criteria provided, single submitter. Criteria: Invitae Variant Classification Sherloc (09022015). Collection method: clinical testing. Allele origin: germline.
Comment: For these reasons, this variant has been classified as Pathogenic. A similar copy number variant has been observed in individuals with choroideremia (PMID: 16936131, 18385043, 23811034). It has also been observed to segregate with disease in related individuals. This variant is a gross deletion of the genomic region encompassing exon(s) 9 of the CHM gene. This variant would be expected to be in-frame, preserving the integrity of the reading frame.

Literature cited by the submitters: PubMed 16936131; PubMed 18385043; PubMed 23811034.